The following is an entry in ClinVar:

ClinVar aggregate classification (germline): Conflicting classifications of pathogenicity. Review status: criteria provided, conflicting classifications (1 of 4 stars). 4 submissions from 4 submitters: Uncertain significance (2); Likely benign (1). 1 of the submissions does not count toward it. Last evaluated 2025-09-29.

Conditions:
Inborn genetic diseases. Identifiers: MedGen C0950123, MeSH D030342.
ANKRD26-related disorder. Also called: ANKRD26-related condition.

Allele frequency attached by ClinVar (database versions not stated): gnomAD exomes 0.00001; TOPMed 0.00003; ExAC 0.00001; gnomAD 0.00001.
gnomAD v4.1: 22 of 1,613,814 alleles (0.0014%); highest among the groups gnomAD compares: Non-Finnish European, 0.0019%; no homozygotes.

Submissions (4):

Labcorp Genetics (formerly Invitae), Labcorp
Classification: Uncertain significance. Last evaluated: 2025-09-29. Review status: criteria provided, single submitter. Criteria: Invitae Variant Classification Sherloc (09022015). Collection method: clinical testing. Allele origin: germline.
Comment: This sequence change affects codon 80 of the ANKRD26 mRNA. It is a 'silent' change, meaning that it does not change the encoded amino acid sequence of the ANKRD26 protein. This variant is present in population databases (rs761768458, gnomAD 0.002%). This variant has not been reported in the literature in individuals affected with ANKRD26-related conditions. ClinVar contains an entry for this variant (Variation ID: 2169715). Algorithms developed to predict the effect of sequence changes on RNA splicing suggest that this variant may disrupt the consensus splice site. In summary, the available evidence is currently insufficient to determine the role of this variant in disease. Therefore, it has been classified as a Variant of Uncertain Significance.

GeneDx
Classification: Uncertain significance. Last evaluated: 2025-03-09. Review status: criteria provided, single submitter. Criteria: GeneDx Variant Classification Process June 2021. Collection method: clinical testing. Allele origin: germline.
Comment: Not observed at significant frequency in large population cohorts (gnomAD); In silico analysis indicates that this variant does not alter splicing; Has not been previously published as pathogenic or benign to our knowledge

Ambry Genetics
Classification: Likely benign for Inborn genetic diseases. Last evaluated: 2024-11-17. Review status: criteria provided, single submitter. Criteria: Ambry Variant Classification Scheme 2023. Collection method: clinical testing. Allele origin: germline.

PreventionGenetics, part of Exact Sciences
Classification: Likely benign for ANKRD26-related condition. Last evaluated: 2023-07-15. Review status: no assertion criteria provided. Collection method: clinical testing. Allele origin: germline. Not counted in ClinVar's aggregate classification.
Comment: This variant is classified as likely benign based on ACMG/AMP sequence variant interpretation guidelines (Richards et al. 2015 PMID: 25741868, with internal and published modifications).

NM_014915.3(ANKRD26):c.240C>T (p.Asn80=)

Gene: ANKRD26 (ankyrin repeat domain 26; minus strand). Cytogenetic location: 10p12.1.
Variant type: single nucleotide variant.
Coding change: c.240C>T on transcript NM_014915.3 (MANE Select); coding-DNA position 240, C replaced by T.
Protein change: p.Asn80=; no amino-acid change (asparagine 80 retained).
Molecular consequence: synonymous variant.
Genome position (GRCh38, 1-based): chr10:27,100,087, G>A on the plus strand (C>T on the coding strand, the complement: ANKRD26 is on the minus strand). VCF-style: chr10-27100087-G-A. GRCh37 (hg19) VCF-style: chr10-27389016-G-A.
Other names: c.240C>T, p.Asn80= (NM_001256053.2).
Identifiers: ClinVar variation 2169715 (VCV002169715.9), dbSNP rs761768458, ClinGen allele CA5449024.